The following is an entry in ClinVar:

NM_144997.7(FLCN):c.362T>C (p.Val121Ala)

Gene: FLCN (folliculin; minus strand). Cytogenetic location: 17p11.2.
Variant type: single nucleotide variant.
Coding change: c.362T>C on transcript NM_144997.7 (MANE Select); coding-DNA position 362, T replaced by C.
Protein change: p.Val121Ala; replaces valine 121 with alanine.
Molecular consequence: missense variant.
Genome position (GRCh38, 1-based): chr17:17,226,210, A>G on the plus strand (T>C on the coding strand, the complement: FLCN is on the minus strand). VCF-style: chr17-17226210-A-G. GRCh37 (hg19) VCF-style: chr17-17129524-A-G.
Other names: c.362T>C (LRG_325t1); c.362T>C, p.Val121Ala (NM_001353229.2, NM_001353230.2, NM_001353231.2 and 1 more transcripts); short protein forms V121A.
Identifiers: ClinVar variation 642990 (VCV000642990.7), dbSNP rs1597612758, ClinGen allele CA398534746.

ClinVar aggregate classification (germline): Uncertain significance. Review status: criteria provided, multiple submitters, no conflicts (2 of 4 stars). 2 submissions from 2 submitters: Uncertain significance (2). Last evaluated 2025-09-20.

Conditions:
Birt-Hogg-Dube syndrome. Also called: Birt Hogg Dubé syndrome. Identifiers: Orphanet 122, MedGen C0346010, MONDO:0800444.
Hereditary cancer-predisposing syndrome. Also called: Neoplastic Syndromes, Hereditary; Hereditary Cancer Syndrome; Hereditary neoplastic syndrome; Tumor predisposition. Identifiers: Orphanet 140162, MedGen C0027672, MeSH D009386, MONDO:0015356.

Allele frequency attached by ClinVar (database versions not stated): gnomAD exomes 0.00002.
gnomAD v4.1: 32 of 1,613,922 alleles (0.002%); highest among the groups gnomAD compares: Non-Finnish European, 0.0027%; no homozygotes.

Submissions (2):

Ambry Genetics
Classification: Uncertain significance for Hereditary cancer-predisposing syndrome. Last evaluated: 2025-09-20. Review status: criteria provided, single submitter. Criteria: Ambry Variant Classification Scheme 2023. Collection method: clinical testing. Allele origin: germline.
Comment: The p.V121A variant (also known as c.362T>C), located in coding exon 2 of the FLCN gene, results from a T to C substitution at nucleotide position 362. The valine at codon 121 is replaced by alanine, an amino acid with similar properties. This amino acid position is conserved. In addition, this alteration is predicted to be deleterious by in silico analysis. Based on the available evidence, the clinical significance of this variant remains unclear.

Labcorp Genetics (formerly Invitae), Labcorp
Classification: Uncertain significance for Birt-Hogg-Dube syndrome. Last evaluated: 2025-09-16. Review status: criteria provided, single submitter. Criteria: Invitae Variant Classification Sherloc (09022015). Collection method: clinical testing. Allele origin: germline.
Comment: This sequence change replaces valine, which is neutral and non-polar, with alanine, which is neutral and non-polar, at codon 121 of the FLCN protein (p.Val121Ala). This variant is not present in population databases (gnomAD no frequency). This variant has not been reported in the literature in individuals affected with FLCN-related conditions. ClinVar contains an entry for this variant (Variation ID: 642990). Invitae Evidence Modeling of protein sequence and biophysical properties (such as structural, functional, and spatial information, amino acid conservation, physicochemical variation, residue mobility, and thermodynamic stability) has been performed for this missense variant. However, the output from this modeling did not meet the statistical confidence thresholds required to predict the impact of this variant on FLCN protein function. In summary, the available evidence is currently insufficient to determine the role of this variant in disease. Therefore, it has been classified as a Variant of Uncertain Significance.